The following is an entry in ClinVar:

ClinVar aggregate classification (germline): Uncertain significance (1 of 4 stars; one submission).

Conditions:
Hyperekplexia 2 (HKPX2). Identifiers: Orphanet 3197, MedGen C3553291, MONDO:0013828, OMIM 614619.

Submission:

Labcorp Genetics (formerly Invitae), Labcorp
Classification: Uncertain significance for Hyperekplexia 2. Last evaluated: 2023-10-03. Review status: criteria provided, single submitter. Criteria: Invitae Variant Classification Sherloc (09022015). Collection method: clinical testing. Allele origin: germline.
Comment: This sequence change replaces isoleucine, which is neutral and non-polar, with serine, which is neutral and polar, at codon 94 of the GLRB protein (p.Ile94Ser). Information on the frequency of this variant in the gnomAD database is not available, as this variant may be reported differently in the database. This variant has not been reported in the literature in individuals affected with GLRB-related conditions. ClinVar contains an entry for this variant (Variation ID: 1717245). An algorithm developed to predict the effect of missense changes on protein structure and function (PolyPhen-2) suggests that this variant is likely to be disruptive. In summary, the available evidence is currently insufficient to determine the role of this variant in disease. Therefore, it has been classified as a Variant of Uncertain Significance.

NM_000824.5(GLRB):c.281_282delinsGC (p.Ile94Ser)

Gene: GLRB (glycine receptor beta; plus strand). Cytogenetic location: 4q32.1.
Variant type: Indel.
Coding change: c.281_282delinsGC on transcript NM_000824.5 (MANE Select); coding-DNA positions 281 to 282, TT replaced by GC.
Protein change: p.Ile94Ser; replaces isoleucine 94 with serine.
Molecular consequence: missense variant.
Genome position (GRCh38, 1-based): chr4:157,122,381-157,122,382, TT replaced by GC. VCF-style: chr4-157122381-TT-GC. GRCh37 (hg19) VCF-style: chr4-158043533-TT-GC.
Other names: c.281_282delinsGC, p.Ile94Ser (NM_001166060.2, NM_001166061.2); short protein forms I94S.
Identifiers: ClinVar variation 1717245 (VCV001717245.5), dbSNP rs2530025917, ClinGen allele CA2580071626.
Genomic context (GRCh38, chr4:157,122,381, plus strand): 5'-TATTCATAGGCATTCCTGTTGATGTAGTAGTCAACATTTTTATTAACAGTTTTGGATCCA[TT>GC]CAAGAAACAACAATGGTAAGATTGCAATTAATTTAATATTTTGTCAAATATTTCAATAGA-3'
Protein context (NP_000815.1, residues 84-104): VNIFINSFGS[Ile94Ser]QETTMDYRVN